The following is an entry in ClinVar:

ClinVar aggregate classification (germline): Uncertain significance (1 of 4 stars; one submission).

Conditions:
Fanconi anemia (FA). Also called: Fanconi's anemia. Identifiers: Orphanet 84, MedGen C0015625, MeSH D005199, MONDO:0019391.

gnomAD v4.1: 17 of 1,613,952 alleles (0.0011%); highest among the groups gnomAD compares: Non-Finnish European, 0.0014%; no homozygotes.

Submission:

Labcorp Genetics (formerly Invitae), Labcorp
Classification: Uncertain significance for Fanconi anemia. Last evaluated: 2025-10-14. Review status: criteria provided, single submitter. Criteria: Invitae Variant Classification Sherloc (09022015). Collection method: clinical testing. Allele origin: germline.
Comment: This sequence change replaces histidine, which is basic and polar, with arginine, which is basic and polar, at codon 209 of the FANCD2 protein (p.His209Arg). This variant is present in population databases (rs766042324, gnomAD 0.003%). This variant has not been reported in the literature in individuals affected with FANCD2-related conditions. Invitae Evidence Modeling of protein sequence and biophysical properties (such as structural, functional, and spatial information, amino acid conservation, physicochemical variation, residue mobility, and thermodynamic stability) indicates that this missense variant is not expected to disrupt FANCD2 protein function with a negative predictive value of 80%. In summary, the available evidence is currently insufficient to determine the role of this variant in disease. Therefore, it has been classified as a Variant of Uncertain Significance.

NM_001018115.3(FANCD2):c.626A>G (p.His209Arg)

Genes: FANCD2 (FA complementation group D2; plus strand), LOC107303338 (3p25 FANCD2 Alu-mediated recombination region; plus strand). Cytogenetic location: 3p25.3.
Variant type: single nucleotide variant.
Coding change: c.626A>G on transcript NM_001018115.3 (MANE Select); coding-DNA position 626, A replaced by G.
Protein change: p.His209Arg; replaces histidine 209 with arginine.
Molecular consequence: missense variant.
Genome position (GRCh38, 1-based): chr3:10,039,776, A>G. VCF-style: chr3-10039776-A-G. GRCh37 (hg19) VCF-style: chr3-10081460-A-G.
Other names: c.626A>G, p.His209Arg (NM_001319984.2, NM_001374253.1, NM_001374254.1 and 2 more transcripts); short protein forms H209R.
Identifiers: ClinVar variation 4739203 (VCV004739203.1).